The following is an entry in ClinVar:

NM_000179.3(MSH6):c.1151G>C (p.Arg384Thr)

Gene: MSH6 (mutS homolog 6; plus strand). Cytogenetic location: 2p16.3.
Variant type: single nucleotide variant.
Coding change: c.1151G>C on transcript NM_000179.3 (MANE Select); coding-DNA position 1151, G replaced by C.
Protein change: p.Arg384Thr; replaces arginine 384 with threonine.
Molecular consequence: missense variant.
Genome position (GRCh38, 1-based): chr2:47,799,134, G>C. VCF-style: chr2-47799134-G-C. GRCh37 (hg19) VCF-style: chr2-48026273-G-C.
Other names: c.761G>C, p.Arg254Thr (NM_001281492.2); c.245G>C, p.Arg82Thr (NM_001281493.2, NM_001281494.2); short protein forms R384T, R82T, R254T.
Identifiers: ClinVar variation 629940 (VCV000629940.3), dbSNP rs730881789, ClinGen allele CA346742207.

ClinVar aggregate classification (germline): Uncertain significance. Review status: criteria provided, multiple submitters, no conflicts (2 of 4 stars). 2 submissions from 2 submitters: Uncertain significance (2). Last evaluated 2024-01-16.

Conditions:
Hereditary cancer-predisposing syndrome. Also called: Neoplastic Syndromes, Hereditary; Tumor predisposition; Hereditary neoplastic syndrome; Hereditary Cancer Syndrome. Identifiers: Orphanet 140162, MedGen C0027672, MeSH D009386, MONDO:0015356.

Submissions (2):

Ambry Genetics
Classification: Uncertain significance for Hereditary cancer-predisposing syndrome. Last evaluated: 2024-01-16. Review status: criteria provided, single submitter. Criteria: Ambry Variant Classification Scheme 2023. Collection method: clinical testing. Allele origin: germline.
Comment: The p.R384T variant (also known as c.1151G>C), located in coding exon 4 of the MSH6 gene, results from a G to C substitution at nucleotide position 1151. The arginine at codon 384 is replaced by threonine, an amino acid with similar properties. This amino acid position is well conserved in available vertebrate species. In addition, the in silico prediction for this alteration is inconclusive. Since supporting evidence is limited at this time, the clinical significance of this alteration remains unclear.

Color Diagnostics, LLC DBA Color Health
Classification: Uncertain significance for Hereditary cancer-predisposing syndrome. Last evaluated: 2018-09-19. Review status: criteria provided, single submitter. Criteria: ACMG Guidelines, 2015. Collection method: clinical testing. Allele origin: germline.